The following is an entry in ClinVar:

ClinVar aggregate classification (germline): Uncertain significance (1 of 4 stars; one submission).

Conditions:
Kleefstra syndrome 1 (KLEFS1). Identifiers: Orphanet 261494, MedGen C0795833, MONDO:0027407, OMIM 610253.

Submission:

Labcorp Genetics (formerly Invitae), Labcorp
Classification: Uncertain significance for Kleefstra syndrome 1. Last evaluated: 2025-07-08. Review status: criteria provided, single submitter. Criteria: Invitae Variant Classification Sherloc (09022015). Collection method: clinical testing. Allele origin: germline.
Comment: This sequence change replaces aspartic acid, which is acidic and polar, with valine, which is neutral and non-polar, at codon 351 of the EHMT1 protein (p.Asp351Val). This variant is not present in population databases (gnomAD no frequency). This variant has not been reported in the literature in individuals affected with EHMT1-related conditions. Invitae Evidence Modeling of protein sequence and biophysical properties (such as structural, functional, and spatial information, amino acid conservation, physicochemical variation, residue mobility, and thermodynamic stability) indicates that this missense variant is not expected to disrupt EHMT1 protein function with a negative predictive value of 80%. In summary, the available evidence is currently insufficient to determine the role of this variant in disease. Therefore, it has been classified as a Variant of Uncertain Significance.

NM_024757.5(EHMT1):c.1052A>T (p.Asp351Val)

Gene: EHMT1 (euchromatic histone lysine methyltransferase 1; plus strand). Cytogenetic location: 9q34.3.
Variant type: single nucleotide variant.
Coding change: c.1052A>T on transcript NM_024757.5 (MANE Select); coding-DNA position 1052, A replaced by T.
Protein change: p.Asp351Val; replaces aspartic acid 351 with valine.
Molecular consequence: missense variant.
Genome position (GRCh38, 1-based): chr9:137,743,972, A>T. VCF-style: chr9-137743972-A-T. GRCh37 (hg19) VCF-style: chr9-140638424-A-T.
Other names: c.1052A>T, p.Asp351Val (NM_001145527.2, NM_001354611.2); c.959A>T, p.Asp320Val (NM_001354259.2, NM_001354612.2); c.1031A>T, p.Asp344Val (NM_001354263.2); short protein forms D344V, D320V, D351V.
Identifiers: ClinVar variation 4740890 (VCV004740890.1).
Genomic context (GRCh38, chr9:137,743,972, plus strand): 5'-ACCTGGGCGCCAGCAGCCTGCACGTGAATGGGGAGAGCCTGGAGATGGACTCGGATGAGG[A>T]CGACTCAGAGGAGCTCGAGGAGGACGACGGCCATGGTGCAGAGCAGGCGGCCGCGTTCCC-3'
Protein context (NP_079033.4, residues 341-361): GESLEMDSDE[Asp351Val]DSEELEEDDG